The following is an entry in ClinVar:

ClinVar aggregate classification (germline): Conflicting classifications of pathogenicity. Review status: criteria provided, conflicting classifications (1 of 4 stars). 5 submissions from 5 submitters: Pathogenic (1); Likely pathogenic (2); Uncertain significance (2). Last evaluated 2024-12-04.

Conditions:
CACNA1A-related disorder. Also called: CACNA1A-related condition.
Episodic ataxia type 2 (EA2). Also called: ACETAZOLAMIDE-RESPONSIVE HEREDITARY PAROXYSMAL CEREBELLAR ATAXIA; ATAXIA, EPISODIC, WITH NYSTAGMUS; ATAXIA, FAMILIAL PAROXYSMAL; CEREBELLAR ATAXIA, PAROXYSMAL, ACETAZOLAMIDE-RESPONSIVE; CEREBELLOPATHY, HEREDITARY PAROXYSMAL; EPISODIC ATAXIA, NYSTAGMUS-ASSOCIATED. Identifiers: Orphanet 97, MedGen C1720416, MONDO:0007163, OMIM 108500.
Developmental and epileptic encephalopathy, 42 (DEE42A). Also called: Epileptic encephalopathy, early infantile, 42; EPILEPTIC ENCEPHALOPATHY, EARLY INFANTILE, 42A; DEVELOPMENTAL AND EPILEPTIC ENCEPHALOPATHY 42A. Identifiers: MedGen C4310716, MONDO:0014917, OMIM 617106.

Submissions (5):

PreventionGenetics, part of Exact Sciences
Classification: Likely pathogenic for CACNA1A-related condition. Last evaluated: 2024-12-04. Review status: criteria provided, single submitter. Criteria: ACMG Guidelines, 2015. Collection method: clinical testing. Allele origin: germline.
Comment: The CACNA1A c.526G>A variant is predicted to result in the amino acid substitution p.Val176Met. This variant has been reported in an individual with developmental and epileptic encephalopathy (Appendix B. in Ko et al. 2018. PubMed ID: 29455050). This variant has also been observed as a de novo variant in three individuals from a cohort study on autism (Supplementary Table 3 in Zhou et al. 2022. PubMed ID: 35982159). This variant has not been reported in a large population database (gnomAD), indicating this variant is rare. This variant has conflicting classifications listed in ClinVar ranging from uncertain to pathogenic. Taken together, this variant is interpreted as likely pathogenic.

Labcorp Genetics (formerly Invitae), Labcorp
Classification: Uncertain significance for Developmental and epileptic encephalopathy, 42; Episodic ataxia type 2. Last evaluated: 2024-07-06. Review status: criteria provided, single submitter. Criteria: Invitae Variant Classification Sherloc (09022015). Collection method: clinical testing. Allele origin: germline.
Comment: This sequence change replaces valine, which is neutral and non-polar, with methionine, which is neutral and non-polar, at codon 176 of the CACNA1A protein (p.Val176Met). This variant is not present in population databases (gnomAD no frequency). This missense change has been observed in individual(s) with developmental and epileptic encephalopathy (PMID: 29455050, 33057194). ClinVar contains an entry for this variant (Variation ID: 426878). Advanced modeling of protein sequence and biophysical properties (such as structural, functional, and spatial information, amino acid conservation, physicochemical variation, residue mobility, and thermodynamic stability) performed at Invitae indicates that this missense variant is expected to disrupt CACNA1A protein function with a positive predictive value of 95%. In summary, the available evidence is currently insufficient to determine the role of this variant in disease. Therefore, it has been classified as a Variant of Uncertain Significance.

Greenwood Genetic Center Diagnostic Laboratories, Greenwood Genetic Center
Classification: Likely pathogenic for CACNA1A-related disorder. Last evaluated: 2023-06-05. Review status: criteria provided, single submitter. Criteria: ACMG Guidelines, 2015. Collection method: clinical testing. Allele origin: germline. Affected: yes.
Comment: PS2, PS4_Supporting, PM2, PP2, PP3

CeGaT Center for Human Genetics Tuebingen
Classification: Uncertain significance. Last evaluated: 2019-10-01. Review status: criteria provided, single submitter. Criteria: CeGaT Center For Human Genetics Tuebingen Variant Classification Criteria Version 2. Collection method: clinical testing. Allele origin: germline. Affected: yes. Observed: 1 variant allele.

GeneDx
Classification: Pathogenic. Last evaluated: 2017-10-23. Review status: criteria provided, single submitter. Criteria: GeneDx Variant Classification (06012015). Collection method: clinical testing. Allele origin: germline. Affected: yes.
Comment: The V176M variant in the CACNA1A gene has not been published as a pathogenic variant, nor has it been reported as a benign variant to our knowledge. The V176M variant is not observed in large population cohorts (Lek et al., 2016; 1000 Genomes Consortium et al., 2015; Exome Variant Server). The V176M variant has been identified as a de novo variant in two individuals previously tested at GeneDx. This substitution occurs at a position that is conserved across species, and in silico analysis is inconsistent in its predictions as to whether or not the variant is damaging to the protein structure/function. The V176M variant is a conservative amino acid substitution, which is not likely to impact secondary protein structure as these residues share similar properties. The V176M variant is considered a pathogenic variant.

Literature cited by the submitters: PubMed 29455050 (cited by Labcorp Genetics (formerly Invitae), Labcorp); PubMed 33057194 (cited by Labcorp Genetics (formerly Invitae), Labcorp).

NM_001127222.2(CACNA1A):c.526G>A (p.Val176Met)

Gene: CACNA1A (calcium voltage-gated channel subunit alpha1 A; minus strand). Cytogenetic location: 19p13.13.
Variant type: single nucleotide variant.
Coding change: c.526G>A on transcript NM_001127222.2 (MANE Select); coding-DNA position 526, G replaced by A.
Protein change: p.Val176Met; replaces valine 176 with methionine.
Molecular consequence: missense variant.
Genome position (GRCh38, 1-based): chr19:13,452,889, C>T on the plus strand (G>A on the coding strand, the complement: CACNA1A is on the minus strand). VCF-style: chr19-13452889-C-T. GRCh37 (hg19) VCF-style: chr19-13563703-C-T.
Other names: c.526G>A, p.Val176Met (NM_000068.4, NM_001127221.2, NM_001174080.2 and 1 more transcripts); c.526G>A (NM_001127222.1); short protein forms V176M.
Identifiers: ClinVar variation 426878 (VCV000426878.48), dbSNP rs1057521920, ClinGen allele CA404967427.